The following is an entry in ClinVar:

NM_013382.7(POMT2):c.1282_1284del (p.His428del)

Gene: POMT2 (protein O-mannosyltransferase 2; minus strand). Cytogenetic location: 14q24.3.
Variant type: Deletion.
Coding change: c.1282_1284del on transcript NM_013382.7 (MANE Select); coding-DNA positions 1282 to 1284, 3 bases deleted (CAT; older notation c.1282_1284delCAT).
Protein change: p.His428del; deletes histidine 428.
Molecular consequence: inframe deletion.
Genome position (GRCh38, 1-based): chr14:77,286,792-77,286,794, ATG deleted on the plus strand (CAT on the coding strand, the reverse complement: POMT2 is on the minus strand); deleting any 3 consecutive bases within chr14:77,286,792-77,286,796 gives the same sequence; the c. name uses the placement nearest the transcript's 3' end. VCF-style (leftmost placement, unchanged base first): chr14-77286791-CATG-C. GRCh37 (hg19) VCF-style: chr14-77753134-CATG-C.
Other names: c.1282_1284delCAT (NM_013382.5); short protein forms H428del.
Identifiers: ClinVar variation 650053 (VCV000650053.9), dbSNP rs1594890912, ClinGen allele CA915946329.

ClinVar aggregate classification (germline): Uncertain significance (1 of 4 stars; one submission).

Conditions:
Muscular dystrophy-dystroglycanopathy (congenital with brain and eye anomalies), type A2. Also called: WALKER-WARBURG SYNDROME OR MUSCLE-EYE-BRAIN DISEASE, POMT2-RELATED; MUSCULAR DYSTROPHY-DYSTROGLYCANOPATHY (CONGENITAL WITH BRAIN AND EYE ANOMALIES), TYPE A, 2. Identifiers: Orphanet 588, Orphanet 899, MedGen C3150411, MONDO:0013154, OMIM 613150.
Muscular dystrophy-dystroglycanopathy (congenital with impaired intellectual development), type B, 2. Also called: Muscular dystrophy-dystroglycanopathy (congenital with intellectual disability), type B2; MUSCULAR DYSTROPHY, CONGENITAL, POMT2-RELATED. Identifiers: MedGen C3150416, MONDO:0013160, OMIM 613156.
Autosomal recessive limb-girdle muscular dystrophy type 2N. Also called: MUSCULAR DYSTROPHY-DYSTROGLYCANOPATHY, LIMB-GIRDLE, POMT2-RELATED; Muscular dystrophy-dystroglycanopathy (limb-girdle), type C, 2. Identifiers: Orphanet 206559, MedGen C3150418, MONDO:0013162, OMIM 613158.

Submission:

Labcorp Genetics (formerly Invitae), Labcorp
Classification: Uncertain significance for Muscular dystrophy-dystroglycanopathy (congenital with impaired intellectual development), type B, 2; Muscular dystrophy-dystroglycanopathy (congenital with brain and eye anomalies), type A2; Autosomal recessive limb-girdle muscular dystrophy type 2N. Last evaluated: 2018-12-03. Review status: criteria provided, single submitter. Criteria: Invitae Variant Classification Sherloc (09022015). Collection method: clinical testing. Allele origin: germline.
Comment: This variant has not been reported in the literature in individuals with POMT2-related conditions. This variant is not present in population databases (ExAC no frequency). Experimental studies and prediction algorithms are not available for this variant, and the functional significance of the affected amino acid(s) is currently unknown. This variant, c.1282_1284delCAT, results in the deletion of 1 amino acid(s) of the POMT2 protein (p.His428del), but otherwise preserves the integrity of the reading frame. In summary, the available evidence is currently insufficient to determine the role of this variant in disease. Therefore, it has been classified as a Variant of Uncertain Significance.